The following is an entry in ClinVar:

ClinVar aggregate classification (germline): Likely pathogenic (1 of 4 stars; one submission).

Conditions:
Autoimmune lymphoproliferative syndrome type 1. Also called: AUTOIMMUNE LYMPHOPROLIFERATIVE SYNDROME, TYPE I, AUTOSOMAL DOMINANT. Identifiers: Orphanet 3261, MedGen C2717884, MONDO:0011158, OMIM 601859.

gnomAD v4.1: 1 of 1,614,048 alleles (0.000062%); highest among the groups gnomAD compares: Non-Finnish European, 0.000085%; no homozygotes.

Submission:

Labcorp Genetics (formerly Invitae), Labcorp
Classification: Likely pathogenic for Autoimmune lymphoproliferative syndrome. Last evaluated: 2024-11-05. Review status: criteria provided, single submitter. Criteria: Invitae Variant Classification Sherloc (09022015). Collection method: clinical testing. Allele origin: germline.
Comment: This sequence change falls in intron 5 of the FAS gene. It does not directly change the encoded amino acid sequence of the FAS protein. It affects a nucleotide within the consensus splice site. This variant is not present in population databases (gnomAD no frequency). This variant has been observed in individual(s) with autoimmune lymphoproliferative syndrome (internal data). Variants that disrupt the consensus splice site are a relatively common cause of aberrant splicing (PMID: 17576681, 9536098). Algorithms developed to predict the effect of sequence changes on RNA splicing suggest that this variant may disrupt the consensus splice site. This variant disrupts the c.506-3 nucleotide in the FAS gene. Other variant(s) that disrupt this nucleotide have been determined to be pathogenic (PMID: 15870181, 21233219). This suggests that this nucleotide is clinically significant, and that variants that disrupt this position are likely to be disease-causing. In summary, the currently available evidence indicates that the variant is pathogenic, but additional data are needed to prove that conclusively. Therefore, this variant has been classified as Likely Pathogenic.

Literature cited by the submitters: PubMed 17576681; PubMed 9536098; PubMed 15870181; PubMed 21233219.

NM_000043.6(FAS):c.506-3C>T

Gene: FAS (Fas cell surface death receptor; plus strand). Cytogenetic location: 10q23.31.
Variant type: single nucleotide variant.
Coding change: c.506-3C>T on transcript NM_000043.6 (MANE Select); 3 bases into the intron before coding-DNA position 506, C replaced by T.
Molecular consequence: intron variant.
Genome position (GRCh38, 1-based): chr10:89,010,750, C>T. VCF-style: chr10-89010750-C-T. GRCh37 (hg19) VCF-style: chr10-90770507-C-T.
Other names: c.506-3C>T (NM_152872.4, NM_001320619.2); c.505+150C>T (NM_152871.4); c.551-3C>T (NM_001410956.1).
Identifiers: ClinVar variation 3658353 (VCV003658353.2).